The following is an entry in ClinVar:

ClinVar aggregate classification (germline): Uncertain significance (1 of 4 stars; one submission).

Allele frequency attached by ClinVar (database versions not stated): ExAC 0.00001; gnomAD exomes below 0.00001.
gnomAD v4.1: 1 of 1,614,256 alleles (0.000062%); highest among the groups gnomAD compares: Admixed American, 0.0017%; no homozygotes.

Submission:

Labcorp Genetics (formerly Invitae), Labcorp
Classification: Uncertain significance. Last evaluated: 2021-09-01. Review status: criteria provided, single submitter. Criteria: Invitae Variant Classification Sherloc (09022015). Collection method: clinical testing. Allele origin: germline.
Comment: This sequence change replaces cysteine with serine at codon 20 of the CLRN1 protein (p.Cys20Ser). The cysteine residue is highly conserved and there is a moderate physicochemical difference between cysteine and serine. This variant is present in population databases (rs764138183, ExAC 0.009%). This variant has not been reported in the literature in individuals affected with CLRN1-related conditions. Algorithms developed to predict the effect of missense changes on protein structure and function are either unavailable or do not agree on the potential impact of this missense change (SIFT: "Deleterious"; PolyPhen-2: "Benign"; Align-GVGD: "Class C0"). In summary, the available evidence is currently insufficient to determine the role of this variant in disease. Therefore, it has been classified as a Variant of Uncertain Significance.

NM_174878.3(CLRN1):c.58T>A (p.Cys20Ser)

Gene: CLRN1 (clarin 1; minus strand). Cytogenetic location: 3q25.1.
Variant type: single nucleotide variant.
Coding change: c.58T>A on transcript NM_174878.3 (MANE Select); coding-DNA position 58, T replaced by A.
Protein change: p.Cys20Ser; replaces cysteine 20 with serine.
Molecular consequence: missense variant. On other transcripts: non-coding transcript variant (1).
Genome position (GRCh38, 1-based): chr3:150,972,651, A>T on the plus strand (T>A on the coding strand, the complement: CLRN1 is on the minus strand). VCF-style: chr3-150972651-A-T. GRCh37 (hg19) VCF-style: chr3-150690438-A-T.
Other names: c.58T>A, p.Cys20Ser (NM_001195794.1, NM_001256819.2); short protein forms C20S.
Identifiers: ClinVar variation 1046190 (VCV001046190.6), dbSNP rs764138183, ClinGen allele CA2666222.